The following is an entry in ClinVar:

ClinVar aggregate classification (germline): Benign/Likely benign. Review status: criteria provided, multiple submitters, no conflicts (2 of 4 stars). 3 submissions from 3 submitters: Benign (1); Likely benign (1). 1 of the submissions does not count toward it. Last evaluated 2025-02-06.

Conditions:
Infantile spasms. Also called: Infantile spasm. Identifiers: MedGen C3887898, HP:0012469.
Neurodevelopmental disorder with progressive spasticity and brain white matter abnormalities. Also called: CEREBRAL PALSY, SPASTIC QUADRIPLEGIC, 1. Identifiers: Orphanet 210141, Orphanet 641353, MedGen C5436628, MONDO:0033613, OMIM 619026.

Allele frequency attached by ClinVar (database versions not stated): gnomAD 0.00015 and 0.00029; gnomAD exomes 0.00027 and 0.00076; TOPMed 0.00040; ExAC 0.00075; 1000 Genomes Project 30x 0.00172; 1000 Genomes Project 0.00180.
gnomAD v4.1: 439 of 1,614,022 alleles (0.027%); highest among the groups gnomAD compares: East Asian, 0.8%; 3 homozygotes.

Submissions (3):

Labcorp Genetics (formerly Invitae), Labcorp
Classification: Likely benign for Neurodevelopmental disorder with progressive spasticity and brain white matter abnormalities. Last evaluated: 2025-02-06. Review status: criteria provided, single submitter. Criteria: Invitae Variant Classification Sherloc (09022015). Collection method: clinical testing. Allele origin: germline.

Illumina Laboratory Services, Illumina
Classification: Benign. Last evaluated: 2017-04-27. Review status: criteria provided, single submitter. Criteria: ICSL Variant Classification Criteria 13 December 2019. Collection method: clinical testing. Allele origin: germline.
Comment: This variant was observed as part of a predisposition screen in an ostensibly healthy population. A literature search was performed for the gene, cDNA change, and amino acid change (where applicable). Publications were found based on this search. The evidence from the literature, in combination with allele frequency data from public databases where available, was sufficient to rule this variant out of causing disease. Therefore, this variant is classified as benign.

Clinical Molecular Genetics Laboratory, Johns Hopkins All Children's Hospital
Classification: Uncertain significance for Infantile spasms. Last evaluated: 2017-08-03. Review status: no assertion criteria provided. Collection method: clinical testing. Allele origin: germline. Affected: yes. Not counted in ClinVar's aggregate classification.

Literature cited by the submitters: PubMed 22662185 (cited by Illumina Laboratory Services, Illumina).

NM_000817.3(GAD1):c.80C>A (p.Thr27Lys)

Gene: GAD1 (glutamate decarboxylase 1; plus strand). Cytogenetic location: 2q31.1.
Variant type: single nucleotide variant.
Coding change: c.80C>A on transcript NM_000817.3 (MANE Select); coding-DNA position 80, C replaced by A.
Protein change: p.Thr27Lys; replaces threonine 27 with lysine.
Molecular consequence: missense variant.
Genome position (GRCh38, 1-based): chr2:170,818,671, C>A. VCF-style: chr2-170818671-C-A. GRCh37 (hg19) VCF-style: chr2-171675181-C-A.
Other names: c.80C>A, p.Thr27Lys (NM_013445.4); short protein forms T27K.
Identifiers: ClinVar variation 560641 (VCV000560641.52), dbSNP rs77655188, ClinGen allele CA1962481.